The following is an entry in ClinVar:

NM_007129.5(ZIC2):c.569G>T (p.Arg190Leu)

Gene: ZIC2 (Zic family member 2; plus strand). Cytogenetic location: 13q32.3.
Variant type: single nucleotide variant.
Coding change: c.569G>T on transcript NM_007129.5 (MANE Select); coding-DNA position 569, G replaced by T.
Protein change: p.Arg190Leu; replaces arginine 190 with leucine.
Molecular consequence: missense variant.
Genome position (GRCh38, 1-based): chr13:99,982,633, G>T. VCF-style: chr13-99982633-G-T. GRCh37 (hg19) VCF-style: chr13-100634887-G-T.
Other names: short protein forms R190L.
Identifiers: ClinVar variation 3781151 (VCV003781151.1).

ClinVar aggregate classification (germline): Uncertain significance (1 of 4 stars; one submission).

Submission:

GeneDx
Classification: Uncertain significance. Last evaluated: 2024-10-16. Review status: criteria provided, single submitter. Criteria: GeneDx Variant Classification Process June 2021. Collection method: clinical testing. Allele origin: germline. Affected: yes.
Comment: In silico analysis supports that this missense variant has a deleterious effect on protein structure/function; Has not been previously published as pathogenic or benign to our knowledge